The following is an entry in ClinVar:

ClinVar aggregate classification (germline): Uncertain significance. Review status: criteria provided, multiple submitters, no conflicts (2 of 4 stars). 2 submissions from 2 submitters: Uncertain significance (2). Last evaluated 2023-06-05.

Conditions:
Neutral lipid storage myopathy (NLSDM). Also called: NEUTRAL LIPID STORAGE DISEASE WITHOUT ICHTHYOSIS. Identifiers: Orphanet 98908, MedGen C1853136, MONDO:0012545, OMIM 610717.

Submissions (2):

Blueprint Genetics
Classification: Uncertain significance. Last evaluated: 2023-06-05. Review status: criteria provided, single submitter. Criteria: ACMG Guidelines, 2015. Collection method: clinical testing. Allele origin: germline.

Labcorp Genetics (formerly Invitae), Labcorp
Classification: Uncertain significance for Neutral lipid storage myopathy. Last evaluated: 2021-10-06. Review status: criteria provided, single submitter. Criteria: Invitae Variant Classification Sherloc (09022015). Collection method: clinical testing. Allele origin: germline.
Comment: In summary, the available evidence is currently insufficient to determine the role of this variant in disease. Therefore, it has been classified as a Variant of Uncertain Significance. Experimental studies and prediction algorithms are not available or were not evaluated, and the functional significance of this variant is currently unknown. This variant has not been reported in the literature in individuals affected with PNPLA2-related conditions. This variant is not present in population databases (ExAC no frequency). This variant, c.537_539del, results in the deletion of 1 amino acid(s) of the PNPLA2 protein (p.Lys179del), but otherwise preserves the integrity of the reading frame.

NM_020376.4(PNPLA2):c.537_539del (p.Lys179del)

Gene: PNPLA2 (patatin like domain 2, triacylglycerol lipase; plus strand). Cytogenetic location: 11p15.5.
Variant type: Deletion.
Coding change: c.537_539del on transcript NM_020376.4 (MANE Select); coding-DNA positions 537 to 539, 3 bases deleted (GAA; older notation c.537_539delGAA).
Protein change: p.Lys179del; deletes lysine 179.
Molecular consequence: inframe deletion.
Genome position (GRCh38, 1-based): chr11:822,447-822,449, GAA deleted; deleting any 3 consecutive bases within chr11:822,445-822,449 gives the same sequence; the c. name uses the placement nearest the transcript's 3' end. VCF-style (leftmost placement, unchanged base first): chr11-822444-TAAG-T. GRCh37 (hg19) VCF-style: chr11-822444-TAAG-T.
Other names: short protein forms K179del.
Identifiers: ClinVar variation 1418614 (VCV001418614.7), dbSNP rs1179377141, ClinGen allele CA596798907.